The following is an entry in ClinVar:

ClinVar aggregate classification (germline): Pathogenic/Likely pathogenic. Review status: criteria provided, multiple submitters, no conflicts (2 of 4 stars). 3 submissions from 3 submitters: Pathogenic (2); Likely pathogenic (1). Last evaluated 2025-09-16.

Conditions:
KCNH2-related disorder. Also called: KCNH2-related disorders; KCNH2-related condition.
Long QT syndrome (LQTS). Identifiers: MedGen C0023976, MeSH D008133, MONDO:0002442. Disease mechanism: loss of function. Inheritance: Various modes of inheritance.

Submissions (3):

PreventionGenetics, part of Exact Sciences
Classification: Likely pathogenic for KCNH2-related condition. Last evaluated: 2025-09-16. Review status: criteria provided, single submitter. Criteria: ACMG Guidelines, 2015. Collection method: clinical testing. Allele origin: germline.
Comment: The KCNH2 c.31C>T variant is predicted to result in premature protein termination (p.Gln11*). To our knowledge, this variant has not been reported in the literature or in a large population database (gnomAD), indicating this variant is rare. This variant is interpreted as pathogenic in ClinVar. Nonsense variants in KCNH2 are expected to be pathogenic. This variant is interpreted as likely pathogenic.

Labcorp Genetics (formerly Invitae), Labcorp
Classification: Pathogenic for Long QT syndrome. Last evaluated: 2024-04-24. Review status: criteria provided, single submitter. Criteria: Invitae Variant Classification Sherloc (09022015). Collection method: clinical testing. Allele origin: germline.
Comment: This sequence change creates a premature translational stop signal (p.Gln11*) in the KCNH2 gene. It is expected to result in an absent or disrupted protein product. Loss-of-function variants in KCNH2 are known to be pathogenic (PMID: 10973849, 19862833). This variant is not present in population databases (gnomAD no frequency). This variant has not been reported in the literature in individuals affected with KCNH2-related conditions. ClinVar contains an entry for this variant (Variation ID: 200588). For these reasons, this variant has been classified as Pathogenic.

GeneDx
Classification: Pathogenic. Last evaluated: 2012-02-15. Review status: criteria provided, single submitter. Criteria: GeneDx Variant Classification (06012015). Collection method: clinical testing. Allele origin: germline. Affected: yes.
Comment: The Gln11Stop mutation in the KCNH2 gene has not been previously reported as a disease-causing mutation, it is predicted to cause loss of normal protein function either due to production of an abnormal, prematurely truncated protein, or by absence of protein product due to nonsense mediated mRNA decay. Other nonsense mutations in the N-terminus (Cys39Stop, Cys44Stop) of the KCNH2 gene have been reported in association with LQTS. The variant is found in LQT panel(s).

Literature cited by the submitters: PubMed 10973849 (cited by Labcorp Genetics (formerly Invitae), Labcorp); PubMed 19862833 (cited by Labcorp Genetics (formerly Invitae), Labcorp).

NM_000238.4(KCNH2):c.31C>T (p.Gln11Ter)

Gene: KCNH2 (potassium voltage-gated channel subfamily H member 2; minus strand). Cytogenetic location: 7q36.1.
Variant type: single nucleotide variant.
Coding change: c.31C>T on transcript NM_000238.4 (MANE Select); coding-DNA position 31, C replaced by T.
Protein change: p.Gln11Ter; replaces glutamine 11 with a stop codon.
Molecular consequence: nonsense.
Genome position (GRCh38, 1-based): chr7:150,977,883, G>A on the plus strand (C>T on the coding strand, the complement: KCNH2 is on the minus strand). VCF-style: chr7-150977883-G-A. GRCh37 (hg19) VCF-style: chr7-150674971-G-A.
Other names: p.Q11*:CAG>TAG; c.31C>T, p.Gln11Ter (NM_172056.3); short protein forms Q11*.
Identifiers: ClinVar variation 200588 (VCV000200588.9), dbSNP rs794728416, ClinGen allele CA008102.